The following is an entry in ClinVar:

ClinVar aggregate classification (germline): Uncertain significance. Review status: criteria provided, multiple submitters, no conflicts (2 of 4 stars). 2 submissions from 2 submitters: Uncertain significance (2). Last evaluated 2025-06-28.

Conditions:
Colorectal cancer, susceptibility to, 1. Also called: COLORECTAL ADENOMA AND CANCER, SUSCEPTIBILITY TO; COLORECTAL CANCER, SUSCEPTIBILITY TO, ON CHROMOSOME 9. Identifiers: MedGen C1837315, MONDO:0012132, OMIM 608812.

Submissions (2):

Ambry Genetics
Classification: Uncertain significance. Last evaluated: 2025-06-28. Review status: criteria provided, single submitter. Criteria: Ambry Variant Classification Scheme 2023. Collection method: clinical testing. Allele origin: germline.
Comment: The p.D409V variant (also known as c.1226A>T), located in coding exon 7 of the GALNT12 gene, results from an A to T substitution at nucleotide position 1226. The aspartic acid at codon 409 is replaced by valine, an amino acid with highly dissimilar properties. This amino acid position is conserved. In addition, this alteration is predicted to be deleterious by in silico analysis. Based on the available evidence, the clinical significance of this variant remains unclear.

Baylor Genetics
Classification: Uncertain significance for Colorectal cancer, susceptibility to, 1. Last evaluated: 2023-05-02. Review status: criteria provided, single submitter. Criteria: ACMG Guidelines, 2015. Collection method: clinical testing. Allele origin: unknown.

NM_024642.5(GALNT12):c.1226A>T (p.Asp409Val)

Gene: GALNT12 (polypeptide N-acetylgalactosaminyltransferase 12; plus strand). Cytogenetic location: 9q22.33.
Variant type: single nucleotide variant.
Coding change: c.1226A>T on transcript NM_024642.5 (MANE Select); coding-DNA position 1226, A replaced by T.
Protein change: p.Asp409Val; replaces aspartic acid 409 with valine.
Molecular consequence: missense variant.
Genome position (GRCh38, 1-based): chr9:98,840,015, A>T. VCF-style: chr9-98840015-A-T. GRCh37 (hg19) VCF-style: chr9-101602297-A-T.
Other names: c.1226A>T (NM_024642.4); short protein forms D409V.
Identifiers: ClinVar variation 2675822 (VCV002675822.2), dbSNP rs2490541141, ClinGen allele CA374220901.
Genomic context (GRCh38, chr9:98,840,015, plus strand): 5'-GGAAGCACTAGGACCCATGGGGTCTCACTGTTTTGTTGTTTTCTCAGGAACCTTTTGGGG[A>T]TGTGACAGAGAGGAAGCAGCTCCGGGACAAGCTCCAGTGTAAAGACTTCAAGTGGTTCTT-3'
Protein context (NP_078918.3, residues 399-419): NPRARLEPFG[Asp409Val]VTERKQLRDK